The following is an entry in ClinVar:

ClinVar aggregate classification (germline): Uncertain significance (1 of 4 stars; one submission).

Conditions:
Familial cold autoinflammatory syndrome 3 (FCAS3). Also called: ANTIBODY DEFICIENCY AND IMMUNE DYSREGULATION, PLCG2-ASSOCIATED; FAMILIAL ATYPICAL COLD URTICARIA. Identifiers: Orphanet 300359, MedGen C3280914, MONDO:0013766, OMIM 614468.

gnomAD v4.1: 15 of 1,613,992 alleles (0.00093%); highest among the groups gnomAD compares: South Asian, 0.016%; 1 homozygote.

Submission:

Labcorp Genetics (formerly Invitae), Labcorp
Classification: Uncertain significance for Familial cold autoinflammatory syndrome 3. Last evaluated: 2024-11-09. Review status: criteria provided, single submitter. Criteria: Invitae Variant Classification Sherloc (09022015). Collection method: clinical testing. Allele origin: germline.
Comment: This sequence change replaces proline, which is neutral and non-polar, with alanine, which is neutral and non-polar, at codon 885 of the PLCG2 protein (p.Pro885Ala). This variant is present in population databases (rs768495444, gnomAD 0.01%). This variant has not been reported in the literature in individuals affected with PLCG2-related conditions. An algorithm developed to predict the effect of missense changes on protein structure and function (PolyPhen-2) suggests that this variant is likely to be tolerated. In summary, the available evidence is currently insufficient to determine the role of this variant in disease. Therefore, it has been classified as a Variant of Uncertain Significance.

NM_002661.5(PLCG2):c.2653C>G (p.Pro885Ala)

Gene: PLCG2 (phospholipase C gamma 2; plus strand). Cytogenetic location: 16q23.3.
Variant type: single nucleotide variant.
Coding change: c.2653C>G on transcript NM_002661.5 (MANE Select); coding-DNA position 2653, C replaced by G.
Protein change: p.Pro885Ala; replaces proline 885 with alanine.
Molecular consequence: missense variant.
Genome position (GRCh38, 1-based): chr16:81,931,568, C>G. VCF-style: chr16-81931568-C-G. GRCh37 (hg19) VCF-style: chr16-81965173-C-G.
Other names: c.2653C>G, p.Pro885Ala (NM_001425749.1, NM_001425750.1, NM_001425751.1); short protein forms P885A.
Identifiers: ClinVar variation 3685979 (VCV003685979.2).
Genomic context (GRCh38, chr16:81,931,568, plus strand): 5'-CAGGGAAAAAACCAGAAGTCCTTTGTCTTCATCCTGGAGCCCAAGCAGCAGGGCGATCCT[C>G]CGGTGGAGTTTGCCACAGACAGGGTGGAGGAGCTCTTTGAGTGGTTTCAGAGCATCCGAG-3'
Protein context (NP_002652.2, residues 875-895): ILEPKQQGDP[Pro885Ala]VEFATDRVEE